The following is an entry in ClinVar:

ClinVar aggregate classification (germline): Pathogenic (1 of 4 stars; one submission).

Conditions:
DICER1-related tumor predisposition. Also called: DICER1-related pleuropulmonary blastoma cancer predisposition syndrome; DICER1 syndrome. Identifiers: Orphanet 284343, MedGen C3839822, MONDO:0100216.

Submission:

Labcorp Genetics (formerly Invitae), Labcorp
Classification: Pathogenic for DICER1-related tumor predisposition. Last evaluated: 2022-01-10. Review status: criteria provided, single submitter. Criteria: Invitae Variant Classification Sherloc (09022015). Collection method: clinical testing. Allele origin: germline.
Comment: This variant has not been reported in the literature in individuals affected with DICER1-related conditions. For these reasons, this variant has been classified as Pathogenic. This variant is not present in population databases (gnomAD no frequency). This sequence change creates a premature translational stop signal (p.Asp730*) in the DICER1 gene. It is expected to result in an absent or disrupted protein product. Loss-of-function variants in DICER1 are known to be pathogenic (PMID: 19556464, 21266384).

Literature cited by the submitters: PubMed 19556464; PubMed 21266384.

NM_177438.3(DICER1):c.2187dup (p.Asp730Ter)

Gene: DICER1 (dicer 1, ribonuclease III; minus strand). Cytogenetic location: 14q32.13.
Variant type: Duplication.
Coding change: c.2187dup on transcript NM_177438.3 (MANE Select); coding-DNA position 2187, one base duplicated (T; older notation c.2187dupT).
Protein change: p.Asp730Ter; replaces aspartic acid 730 with a stop codon.
Molecular consequence: nonsense. On other transcripts: frameshift variant (1), non-coding transcript variant (6).
Genome position (GRCh38, 1-based): chr14:95,111,386, A duplicated on the plus strand (T on the coding strand, the reverse complement: DICER1 is on the minus strand). VCF-style (leftmost placement, unchanged base first): chr14-95111385-C-CA. GRCh37 (hg19) VCF-style: chr14-95577722-C-CA.
Other names: c.2187dup, p.Asp730Ter (NM_001195573.1, NM_001271282.3, NM_001291628.2 and 12 more transcripts); c.2187dup, p.Asp730Terfs (NM_001395681.1); c.1905dup, p.Asp636Ter (NM_001395686.1); c.1782dup, p.Asp595Ter (NM_001395687.1, NM_001395688.1, NM_001395689.1 and 3 more transcripts); c.1620dup, p.Asp541Ter (NM_001395691.1); c.504dup, p.Asp169Ter (NM_001395697.1); short protein forms D169*, D595*, D636*, D730*, D541*.
Identifiers: ClinVar variation 2045295 (VCV002045295.4), dbSNP rs2542912815, ClinGen allele CA2580088954.
Genomic context (GRCh38, chr14:95,111,385, plus strand): 5'-GGTAGCACTGCCTTCGTTTCGTGGAACCTGGTCTTCCTGGAACACTGGTCTCTTCTTCAT[C>CA]ATGCAAATCAAGCTCCTCTTCATATTTAACAGTCTCTTTCCCAACTGGCATCAAATGGTC-3'